The following is an entry in ClinVar:

ClinVar aggregate classification (germline): Uncertain significance. Review status: criteria provided, multiple submitters, no conflicts (2 of 4 stars). 2 submissions from 2 submitters: Uncertain significance (2). Last evaluated 2023-03-21.

Conditions:
Short-rib thoracic dysplasia 13 with or without polydactyly (SRTD13). Identifiers: Orphanet 474, MedGen C4225378, MONDO:0014577, OMIM 616300.

Allele frequency attached by ClinVar (database versions not stated): TOPMed 0.00002; gnomAD 0.00003; gnomAD exomes 0.00003; ExAC 0.00007; 1000 Genomes Project 30x 0.00016; 1000 Genomes Project 0.00020.
gnomAD v4.1: 45 of 1,613,678 alleles (0.0028%); highest among the groups gnomAD compares: South Asian, 0.0077%; no homozygotes.

Submissions (2):

GeneDx
Classification: Uncertain significance. Last evaluated: 2023-03-21. Review status: criteria provided, single submitter. Criteria: GeneDx Variant Classification Process June 2021. Collection method: clinical testing. Allele origin: germline. Affected: yes.
Comment: In silico analysis supports that this missense variant does not alter protein structure/function; Has not been previously published as pathogenic or benign to our knowledge

Labcorp Genetics (formerly Invitae), Labcorp
Classification: Uncertain significance for Short-rib thoracic dysplasia 13 with or without polydactyly. Last evaluated: 2022-02-10. Review status: criteria provided, single submitter. Criteria: Invitae Variant Classification Sherloc (09022015). Collection method: clinical testing. Allele origin: germline.
Comment: This sequence change replaces arginine, which is basic and polar, with glutamine, which is neutral and polar, at codon 897 of the CEP120 protein (p.Arg897Gln). This variant is present in population databases (rs531728977, gnomAD 0.02%). This variant has not been reported in the literature in individuals affected with CEP120-related conditions. Algorithms developed to predict the effect of missense changes on protein structure and function output the following: SIFT: "Tolerated"; PolyPhen-2: "Benign"; Align-GVGD: "Class C0". The glutamine amino acid residue is found in multiple mammalian species, which suggests that this missense change does not adversely affect protein function. In summary, the available evidence is currently insufficient to determine the role of this variant in disease. Therefore, it has been classified as a Variant of Uncertain Significance.

NM_001375405.1(CEP120):c.2690G>A (p.Arg897Gln)

Gene: CEP120 (centrosomal protein 120; minus strand). Cytogenetic location: 5q23.2.
Variant type: single nucleotide variant.
Coding change: c.2690G>A on transcript NM_001375405.1 (MANE Select); coding-DNA position 2690, G replaced by A.
Protein change: p.Arg897Gln; replaces arginine 897 with glutamine.
Molecular consequence: missense variant. On other transcripts: non-coding transcript variant (1).
Genome position (GRCh38, 1-based): chr5:123,349,980, C>T on the plus strand (G>A on the coding strand, the complement: CEP120 is on the minus strand). VCF-style: chr5-123349980-C-T. GRCh37 (hg19) VCF-style: chr5-122685674-C-T.
Other names: c.2612G>A, p.Arg871Gln (NM_001166226.2); c.2555G>A, p.Arg852Gln (NM_001375406.1); c.2690G>A, p.Arg897Gln (NM_001375407.1, NM_153223.4); c.2117G>A, p.Arg706Gln (NM_001375408.1, NM_001375409.1); c.2690G>A (NM_153223.3); short protein forms R706Q, R852Q, R897Q, R871Q.
Identifiers: ClinVar variation 1520213 (VCV001520213.5), dbSNP rs531728977, ClinGen allele CA3386556.